The following is an entry in ClinVar:

NM_005138.3(SCO2):c.438_439dup (p.Val147fs)

Genes: NCAPH2 (non-SMC condensin II complex subunit H2; plus strand), SCO2 (synthesis of cytochrome C oxidase 2; minus strand). Cytogenetic location: 22q13.33.
Variant type: Duplication.
Coding change: c.438_439dup on transcript NM_005138.3 (MANE Select); coding-DNA positions 438 to 439, 2 bases duplicated (GG; older notation c.438_439dupGG).
Protein change: p.Val147fs; shifts the reading frame from valine 147.
Molecular consequence: frameshift variant. On other transcripts: 3 prime UTR variant (2).
Genome position (GRCh38, 1-based): chr22:50,523,973-50,523,974, CC duplicated on the plus strand (GG on the coding strand, the reverse complement: SCO2 is on the minus strand). VCF-style (leftmost placement, unchanged base first): chr22-50523972-A-ACC. GRCh37 (hg19) VCF-style: chr22-50962401-A-ACC.
Other names: c.438_439dup, p.Val147fs (NM_001169110.1, NM_001169111.2, NM_001169109.2); c.*598_*599dup (NM_001185011.2, NM_152299.4); short protein forms V147fs.
Identifiers: ClinVar variation 2829315 (VCV002829315.3), dbSNP rs2522470354, ClinGen allele CA2739268035.

ClinVar aggregate classification (germline): Pathogenic (1 of 4 stars; one submission).

Submission:

Labcorp Genetics (formerly Invitae), Labcorp
Classification: Pathogenic. Last evaluated: 2023-03-22. Review status: criteria provided, single submitter. Criteria: Invitae Variant Classification Sherloc (09022015). Collection method: clinical testing. Allele origin: germline.
Comment: This sequence change creates a premature translational stop signal (p.Val147Glyfs*46) in the SCO2 gene. While this is not anticipated to result in nonsense mediated decay, it is expected to disrupt the last 120 amino acid(s) of the SCO2 protein. This variant is not present in population databases (gnomAD no frequency). This variant has not been reported in the literature in individuals affected with SCO2-related conditions. This variant disrupts a region of the SCO2 protein in which other variant(s) (p.Gly193Ser) have been determined to be pathogenic (PMID: 19353847, 29193756, 32600061). This suggests that this is a clinically significant region of the protein, and that variants that disrupt it are likely to be disease-causing. For these reasons, this variant has been classified as Pathogenic.

Literature cited by the submitters: PubMed 19353847; PubMed 29193756; PubMed 32600061.